The following is an entry in ClinVar:

NM_004369.4(COL6A3):c.5639G>C (p.Gly1880Ala)

Gene: COL6A3 (collagen type VI alpha 3 chain; minus strand). Cytogenetic location: 2q37.3.
Variant type: single nucleotide variant.
Coding change: c.5639G>C on transcript NM_004369.4 (MANE Select); coding-DNA position 5639, G replaced by C.
Protein change: p.Gly1880Ala; replaces glycine 1880 with alanine.
Molecular consequence: missense variant.
Genome position (GRCh38, 1-based): chr2:237,365,897, C>G on the plus strand (G>C on the coding strand, the complement: COL6A3 is on the minus strand). VCF-style: chr2-237365897-C-G. GRCh37 (hg19) VCF-style: chr2-238274540-C-G.
Other names: c.3818G>C, p.Gly1273Ala (NM_057166.5); c.5021G>C, p.Gly1674Ala (NM_057167.4); short protein forms G1674A, G1273A, G1880A.
Identifiers: ClinVar variation 3716803 (VCV003716803.4).

ClinVar aggregate classification (germline): Uncertain significance. Review status: criteria provided, multiple submitters, no conflicts (2 of 4 stars). 3 submissions from 3 submitters: Uncertain significance (3). Last evaluated 2025-11-10.

Conditions:
Inborn genetic diseases. Identifiers: MedGen C0950123, MeSH D030342.
Bethlem myopathy 1A. Also called: MYOPATHY, BENIGN CONGENITAL, WITH CONTRACTURES; Bethlem myopathy 1; Bethlem Muscular Dystrophy. Identifiers: Orphanet 610, MedGen CN029274, MONDO:0024530, OMIM 158810.
Dystonia 27 (DYT27). Identifiers: Orphanet 464440, MedGen C4225336, MONDO:0014627, OMIM 616411.

gnomAD v4.1: 19 of 1,614,144 alleles (0.0012%); highest among the groups gnomAD compares: Non-Finnish European, 0.0016%; no homozygotes.

Submissions (3):

Ambry Genetics
Classification: Uncertain significance for Inborn genetic diseases. Last evaluated: 2025-11-10. Review status: criteria provided, single submitter. Criteria: Ambry Variant Classification Scheme 2023. Collection method: clinical testing. Allele origin: germline.

Labcorp Genetics (formerly Invitae), Labcorp
Classification: Uncertain significance for Bethlem myopathy 1A. Last evaluated: 2024-04-25. Review status: criteria provided, single submitter. Criteria: Invitae Variant Classification Sherloc (09022015). Collection method: clinical testing. Allele origin: germline.
Comment: This sequence change replaces glycine, which is neutral and non-polar, with alanine, which is neutral and non-polar, at codon 1880 of the COL6A3 protein (p.Gly1880Ala). This variant is present in population databases (rs773300477, gnomAD 0.0009%). This variant has not been reported in the literature in individuals affected with COL6A3-related conditions. Advanced modeling of protein sequence and biophysical properties (such as structural, functional, and spatial information, amino acid conservation, physicochemical variation, residue mobility, and thermodynamic stability) performed at Invitae indicates that this missense variant is not expected to disrupt COL6A3 protein function with a negative predictive value of 80%. In summary, the available evidence is currently insufficient to determine the role of this variant in disease. Therefore, it has been classified as a Variant of Uncertain Significance.

Department of Pathology and Laboratory Medicine, Sinai Health System
Classification: Uncertain significance for dystonia 27. Last evaluated: 2022-05-03. Review status: criteria provided, single submitter. Criteria: ACMG Guidelines, 2015. Collection method: research. Allele origin: germline.